The following is an entry in ClinVar:

NM_004380.3(CREBBP):c.6685G>A (p.Gly2229Ser)

Gene: CREBBP (CREB binding lysine acetyltransferase; minus strand). Cytogenetic location: 16p13.3.
Variant type: single nucleotide variant.
Coding change: c.6685G>A on transcript NM_004380.3 (MANE Select); coding-DNA position 6685, G replaced by A.
Protein change: p.Gly2229Ser; replaces glycine 2229 with serine.
Molecular consequence: missense variant.
Genome position (GRCh38, 1-based): chr16:3,728,362, C>T on the plus strand (G>A on the coding strand, the complement: CREBBP is on the minus strand). VCF-style: chr16-3728362-C-T. GRCh37 (hg19) VCF-style: chr16-3778363-C-T.
Other names: c.6571G>A, p.Gly2191Ser (NM_001079846.1); short protein forms G2229S, G2191S.
Identifiers: ClinVar variation 95065 (VCV000095065.26), dbSNP rs139688311, ClinGen allele CA148146.

ClinVar aggregate classification (germline): Benign/Likely benign. Review status: criteria provided, multiple submitters, no conflicts (2 of 4 stars). 10 submissions from 10 submitters: Benign (7); Likely benign (2). 1 of the submissions does not count toward it. Last evaluated 2026-01-07.

Conditions:
Rubinstein-Taybi syndrome (RSTS). Identifiers: Orphanet 783, MedGen C0035934, MONDO:0019188.
Inborn genetic diseases. Identifiers: MedGen C0950123, MeSH D030342.

Allele frequency attached by ClinVar (database versions not stated): ExAC 0.00265; 1000 Genomes Project 30x 0.00406; gnomAD 0.00480 and 0.00518; gnomAD exomes 0.00195 and 0.00117; ESP Exome Variant Server 0.00570; 1000 Genomes Project 0.00419; TOPMed 0.00541.
gnomAD v4.1: 2,445 of 1,607,362 alleles (0.15%); highest among the groups gnomAD compares: African/African-American, 1.4%; 17 homozygotes.

Submissions (10):

Labcorp Genetics (formerly Invitae), Labcorp
Classification: Benign for Rubinstein-Taybi syndrome. Last evaluated: 2026-01-07. Review status: criteria provided, single submitter. Criteria: Invitae Variant Classification Sherloc (09022015). Collection method: clinical testing. Allele origin: germline.

Mayo Clinic Laboratories, Mayo Clinic
Classification: Likely benign. Last evaluated: 2025-03-05. Review status: criteria provided, single submitter. Criteria: ACMG Guidelines, 2015. Collection method: clinical testing. Allele origin: germline. Observed: 1 variant allele.
Comment: BS1, BP4_moderate

Women's Health and Genetics/Laboratory Corporation of America, LabCorp
Classification: Likely benign. Last evaluated: 2024-03-13. Review status: criteria provided, single submitter. Criteria: LabCorp Variant Classification Summary - May 2015. Collection method: clinical testing. Allele origin: germline.

Genetic Services Laboratory, University of Chicago
Classification: Benign. Last evaluated: 2021-11-24. Review status: criteria provided, single submitter. Criteria: ACMG Guidelines, 2015. Collection method: clinical testing. Allele origin: germline. Affected: no.

Ambry Genetics
Classification: Benign for Inborn genetic diseases. Last evaluated: 2018-11-06. Review status: criteria provided, single submitter. Criteria: Ambry Variant Classification Scheme 2023. Collection method: clinical testing. Allele origin: germline.

Center for Pediatric Genomic Medicine, Children's Mercy Hospital and Clinics
Classification: Benign. Last evaluated: 2017-05-04. Review status: criteria provided, single submitter. Criteria: ACMG Guidelines, 2015. Collection method: clinical testing. Allele origin: germline.

GeneDx
Classification: Benign. Last evaluated: 2015-03-03. Review status: criteria provided, single submitter. Criteria: GeneDx Variant Classification Process June 2021. Collection method: clinical testing. Allele origin: germline. Affected: yes.

Eurofins Ntd Llc (ga)
Classification: Benign. Last evaluated: 2013-03-18. Review status: criteria provided, single submitter. Criteria: EGL Classification Definitions 2015. Collection method: clinical testing. Allele origin: germline. Observed: 1 variant allele, 1 heterozygote.

Breakthrough Genomics
Classification: Benign. Review status: criteria provided, single submitter. Criteria: ACMG Guidelines, 2015. Collection method: not provided. Allele origin: germline. Inheritance: Autosomal dominant inheritance. Affected: yes.

ITMI
No classification provided. Condition: AllHighlyPenetrant. Last evaluated: 2013-09-19. Review status: no classification provided. Collection method: reference population. Allele origin: germline. Not counted in ClinVar's aggregate classification.
Comment: Please see associated publication for description of ethnicities

Literature cited by the submitters: PubMed 24728327 (cited by ITMI).